The following is an entry in ClinVar:

ClinVar aggregate classification (germline): Uncertain significance (1 of 4 stars; one submission).

Allele frequency attached by ClinVar (database versions not stated): gnomAD exomes below 0.00001; TOPMed below 0.00001.
gnomAD v4.1: 2 of 1,611,632 alleles (0.00012%); highest among the groups gnomAD compares: Admixed American, 0.0017%; no homozygotes.

Submission:

Labcorp Genetics (formerly Invitae), Labcorp
Classification: Uncertain significance. Last evaluated: 2021-12-15. Review status: criteria provided, single submitter. Criteria: Invitae Variant Classification Sherloc (09022015). Collection method: clinical testing. Allele origin: germline.
Comment: This variant is not present in population databases (gnomAD no frequency). This variant has not been reported in the literature in individuals affected with RAI1-related conditions. Algorithms developed to predict the effect of missense changes on protein structure and function output the following: SIFT: "Tolerated"; PolyPhen-2: "Benign"; Align-GVGD: "Class C0". The serine amino acid residue is found in multiple mammalian species, which suggests that this missense change does not adversely affect protein function. In summary, the available evidence is currently insufficient to determine the role of this variant in disease. Therefore, it has been classified as a Variant of Uncertain Significance. This sequence change replaces proline, which is neutral and non-polar, with serine, which is neutral and polar, at codon 1123 of the RAI1 protein (p.Pro1123Ser).

NM_030665.4(RAI1):c.3367C>T (p.Pro1123Ser)

Gene: RAI1 (retinoic acid induced 1; plus strand). Cytogenetic location: 17p11.2.
Variant type: single nucleotide variant.
Coding change: c.3367C>T on transcript NM_030665.4 (MANE Select); coding-DNA position 3367, C replaced by T.
Protein change: p.Pro1123Ser; replaces proline 1123 with serine.
Molecular consequence: missense variant.
Genome position (GRCh38, 1-based): chr17:17,796,315, C>T. VCF-style: chr17-17796315-C-T. GRCh37 (hg19) VCF-style: chr17-17699629-C-T.
Other names: short protein forms P1123S.
Identifiers: ClinVar variation 1493298 (VCV001493298.6), dbSNP rs2032246029, ClinGen allele CA398553452.